The following is an entry in ClinVar:

ClinVar aggregate classification (germline): Pathogenic (1 of 4 stars; one submission).

Submission:

Labcorp Genetics (formerly Invitae), Labcorp
Classification: Pathogenic. Last evaluated: 2023-06-29. Review status: criteria provided, single submitter. Criteria: Invitae Variant Classification Sherloc (09022015). Collection method: clinical testing. Allele origin: germline.
Comment: This sequence change creates a premature translational stop signal (p.Leu2359*) in the USH2A gene. It is expected to result in an absent or disrupted protein product. Loss-of-function variants in USH2A are known to be pathogenic (PMID: 10729113, 10909849, 20507924, 25649381). This variant is not present in population databases (gnomAD no frequency). This premature translational stop signal has been observed in individual(s) with Usher syndrome (PMID: 28944237). For these reasons, this variant has been classified as Pathogenic.

Literature cited by the submitters: PubMed 10729113; PubMed 10909849; PubMed 20507924; PubMed 25649381; PubMed 28944237.

NM_206933.4(USH2A):c.7076T>A (p.Leu2359Ter)

Gene: USH2A (usherin; minus strand). Cytogenetic location: 1q41.
Variant type: single nucleotide variant.
Coding change: c.7076T>A on transcript NM_206933.4 (MANE Select); coding-DNA position 7076, T replaced by A.
Protein change: p.Leu2359Ter; replaces leucine 2359 with a stop codon.
Molecular consequence: nonsense.
Genome position (GRCh38, 1-based): chr1:215,965,361, A>T on the plus strand (T>A on the coding strand, the complement: USH2A is on the minus strand). VCF-style: chr1-215965361-A-T. GRCh37 (hg19) VCF-style: chr1-216138703-A-T.
Other names: short protein forms L2359*.
Identifiers: ClinVar variation 2732788 (VCV002732788.3), dbSNP rs1460472883, ClinGen allele CA344851985.
Genomic context (GRCh38, chr1:215,965,361, plus strand): 5'-AATAAAAACAAATTACCTGGGTCTACATAGAATATCCCAGTGAAAAGGACTGAGTGTGTT[A>T]AGAGTCCATTAGGGCGAAAAGGTGCTTCCCACCTCACGTGGGCTTTCCGGGATCCCTGTG-3'